The following is an entry in ClinVar:

NM_133379.5(TTN):c.13586C>G (p.Ala4529Gly)

Gene: TTN (titin; minus strand). Cytogenetic location: 2q31.2.
Variant type: single nucleotide variant.
Coding change: c.13586C>G on transcript NM_133379.5; coding-DNA position 13586, C replaced by G.
Protein change: p.Ala4529Gly; replaces alanine 4529 with glycine.
Molecular consequence: missense variant. On other transcripts: intron variant (6).
Genome position (GRCh38, 1-based): chr2:178,748,814, G>C on the plus strand (C>G on the coding strand, the complement: TTN is on the minus strand). VCF-style: chr2-178748814-G-C. GRCh37 (hg19) VCF-style: chr2-179613541-G-C.
Other names: p.A4529G:GCA>GGA; c.10222+4310C>G (NM_003319.4); c.10798+4310C>G (NM_133437.4); c.10597+4310C>G (NM_133432.3); c.10360+4310C>G (NM_133378.4, NM_001256850.1); c.11311+4310C>G (NM_001267550.2); c.13586C>G (NM_133379.4); short protein forms A4529G.
Identifiers: ClinVar variation 203200 (VCV000203200.27), dbSNP rs138927584, ClinGen allele CA311659.
Genomic context (GRCh38, chr2:178,748,814, plus strand): 5'-TCCCTTTCTTGTGCGTCAAATTCTTTATGAGTTTGAGAGGAAAGCAGCTTTAAATTTATT[G>C]CAATGTTAGATGAATCTGATTCAGTATTTGGAGACATTTTCTCTGCCTGATACATATTTG-3'

ClinVar aggregate classification (germline): Conflicting classifications of pathogenicity. Review status: criteria provided, conflicting classifications (1 of 4 stars). 7 submissions from 7 submitters: Uncertain significance (4); Likely benign (3). Last evaluated 2025-11-01.

Conditions:
TTN-related disorder. Also called: TTN-related condition; TTN-related disease; TTN-related disorders.
Early-onset myopathy with fatal cardiomyopathy (CMYO5). Also called: Salih Myopathy; CONGENITAL MYOPATHY 5 WITH CARDIOMYOPATHY. Identifiers: Orphanet 289377, MedGen C2673677, MONDO:0012714, OMIM 611705. Disease mechanism: loss of function.
Autosomal recessive limb-girdle muscular dystrophy type 2J (LGMDR10). Also called: Limb-girdle muscular dystrophy, type 2J; MUSCULAR DYSTROPHY, LIMB-GIRDLE, AUTOSOMAL RECESSIVE 10. Identifiers: Orphanet 140922, MedGen C1837342, MONDO:0012127, OMIM 608807.
Myopathy, myofibrillar, 9, with early respiratory failure (MFM9). Also called: EDSTROM MYOPATHY; MYOPATHY, PROXIMAL, WITH EARLY RESPIRATORY MUSCLE INVOLVEMENT; Myopathy, distal, with early respiratory failure, autosomal dominant; Hereditary myopathy with early respiratory failure. Identifiers: Orphanet 178464, Orphanet 34521, MedGen C1863599, MONDO:0011362, OMIM 603689.
Dilated cardiomyopathy 1G (CMD1G). Identifiers: Orphanet 154, MedGen C1858763, MONDO:0011400, OMIM 604145.
Tibial muscular dystrophy (TMD). Also called: Tibial muscular dystrophy, tardive; UDD MYOPATHY; Udd Distal Myopathy – Tibial Muscular Dystrophy. Identifiers: Orphanet 609, MedGen C1838244, MONDO:0010870, OMIM 600334.
Hypertrophic cardiomyopathy 9. Also called: Familial hypertrophic cardiomyopathy 9. Identifiers: MedGen C1861065, MONDO:0013412, OMIM 613765.

Allele frequency attached by ClinVar (database versions not stated): ESP Exome Variant Server 0.00008; ExAC 0.00012; TOPMed 0.00015; gnomAD 0.00017; gnomAD exomes 0.00018.
gnomAD v4.1: 556 of 1,611,570 alleles (0.035%); highest among the groups gnomAD compares: Non-Finnish European, 0.046%; no homozygotes.

Submissions (7):

CeGaT Center for Human Genetics Tuebingen
Classification: Uncertain significance. Last evaluated: 2025-11-01. Review status: criteria provided, single submitter. Criteria: CeGaT Center For Human Genetics Tuebingen Variant Classification Criteria Version 2. Collection method: clinical testing. Allele origin: germline. Affected: yes. Observed: 1 variant allele.
Comment: TTN: PM2, BP4

Molecular Diagnostic Laboratory for Inherited Cardiovascular Disease, Montreal Heart Institute
Classification: Likely benign. Last evaluated: 2025-07-24. Review status: criteria provided, single submitter. Criteria: ACMG Guidelines, 2015. Collection method: clinical testing. Allele origin: germline. Affected: no.
Comment: BP1

PreventionGenetics, part of Exact Sciences
Classification: Likely benign for TTN-related condition. Last evaluated: 2025-06-25. Review status: criteria provided, single submitter. Criteria: ACMG Guidelines, 2015. Collection method: clinical testing. Allele origin: germline.
Comment: This variant is classified as likely benign based on ACMG/AMP sequence variant interpretation guidelines (Richards et al. 2015 PMID: 25741868, with internal and published modifications).

Blueprint Genetics
Classification: Likely benign. Last evaluated: 2024-10-11. Review status: criteria provided, single submitter. Criteria: ACMG Guidelines, 2015. Collection method: clinical testing. Allele origin: germline.

Fulgent Genetics
Classification: Uncertain significance for Tibial muscular dystrophy; Myopathy, myofibrillar, 9, with early respiratory failure; Dilated cardiomyopathy 1G; Autosomal recessive limb-girdle muscular dystrophy type 2J; Early-onset myopathy with fatal cardiomyopathy; Hypertrophic cardiomyopathy 9. Last evaluated: 2021-09-13. Review status: criteria provided, single submitter. Criteria: ACMG Guidelines, 2015. Collection method: clinical testing. Allele origin: unknown.

Eurofins Ntd Llc (ga)
Classification: Uncertain significance. Last evaluated: 2018-07-05. Review status: criteria provided, single submitter. Criteria: EGL ClinVar v180209 classification definitions. Collection method: clinical testing. Allele origin: germline. Observed: 4 variant alleles, 4 heterozygotes.

GeneDx
Classification: Uncertain significance. Last evaluated: 2016-09-14. Review status: criteria provided, single submitter. Criteria: GeneDx Variant Classification (06012015). Collection method: clinical testing. Allele origin: germline. Affected: yes.
Comment: Missense variants in the TTN gene are considered 'unclassified' if they are not previously reported in the literature and do not have >1% frequency in the population to be considered a polymorphism. Research indicates that truncating mutations in the TTN gene are expected to account for approximately 25% of familial and 18% of sporadic idiopathic DCM; however, truncating variants in the TTN gene have been reported in approximately 3% of reported control alleles. There has been little investigation into non-truncating variants. (Herman D et al. Truncations of titin causing dilated cardiomyopathy. N Eng J Med 366:619-628, 2012) The variant is found in DCM-CRDM,CARDIOMYOPATHY panel(s).